The following is an entry in ClinVar:

NM_000280.4(PAX6):c.*2901T>C

Genes: ELP4 (elongator acetyltransferase complex subunit 4; plus strand), PAX6 (paired box 6; minus strand). Cytogenetic location: 11p13.
Variant type: single nucleotide variant.
Coding change: c.*2901T>C on transcript NM_000280.4; 2901 bases downstream of the stop codon, T replaced by C.
Molecular consequence: 3 prime UTR variant (on NM_019040.5).
Genome position (GRCh38, 1-based): chr11:31,787,033, A>G on the plus strand (T>C on the coding strand, the complement: PAX6 is on the minus strand). VCF-style: chr11-31787033-A-G. GRCh37 (hg19) VCF-style: chr11-31808581-A-G.
Other names: c.*3495A>G (NM_001288725.2); c.*3604A>G (NM_001288726.2); c.*3509A>G (NM_019040.5).
Identifiers: ClinVar variation 304316 (VCV000304316.11), dbSNP rs542906080, ClinGen allele CA10630731.

ClinVar aggregate classification (germline): Benign/Likely benign. Review status: criteria provided, multiple submitters, no conflicts (2 of 4 stars). 8 submissions from 3 submitters: Benign (7); Likely benign (1). Last evaluated 2021-05-25.

Conditions:
Anophthalmia-microphthalmia syndrome. Also called: Anophthalmia/Microphthalmia; Anophthalmia - microphthalmia. Identifiers: Orphanet 98555, MedGen C5680330, MONDO:0020147.
carboxymethyl-dextran-A2-gadolinium-DOTA.
11p partial monosomy syndrome (WAGR). Also called: WAGR Spectrum Disorder; WAGR syndrome; WAGR Complex; CHROMOSOME 11p13 DELETION SYNDROME. Identifiers: Orphanet 893, MedGen C0206115, MONDO:0008681, OMIM 194072.
Foveal hypoplasia 1. Also called: FOVEAL HYPOPLASIA 1 WITH OR WITHOUT ANTERIOR SEGMENT ANOMALIES AND/OR CATARACT; FOVEAL HYPOPLASIA 1 WITH ANTERIOR SEGMENT ANOMALIES. Identifiers: Orphanet 2253, MedGen C3805604, MONDO:0007628, OMIM 136520.
Autosomal dominant keratitis. Also called: Keratitis, hereditary. Identifiers: Orphanet 2334, MedGen C1835698, MONDO:0007848, OMIM 148190.
Aniridia 1 (AN1). Identifiers: Orphanet 250923, MedGen C0344542, MONDO:0024507, OMIM 106210.

Allele frequency attached by ClinVar (database versions not stated): TOPMed 0.01292; gnomAD 0.04927 and 0.04501; 1000 Genomes Project 0.01098; gnomAD exomes 0.00165.
gnomAD v4.1: 1,862 of 112,048 alleles (1.7%); highest among the groups gnomAD compares: African/African-American, 18%; 39 homozygotes.

Submissions (8):

GeneDx
Classification: Benign. Last evaluated: 2021-05-25. Review status: criteria provided, single submitter. Criteria: GeneDx Variant Classification Process June 2021. Collection method: clinical testing. Allele origin: germline. Affected: yes.

Illumina Laboratory Services, Illumina
Classification: Benign for Anophthalmia-microphthalmia syndrome. Last evaluated: 2018-01-13. Review status: criteria provided, single submitter. Criteria: ICSL Variant Classification Criteria 13 December 2019. Collection method: clinical testing. Allele origin: germline.
Comment: This variant was observed in the ICSL laboratory as part of a predisposition screen in an ostensibly healthy population. It had not been previously curated by ICSL or reported in the Human Gene Mutation Database (HGMD: prior to June 1st, 2018), and was therefore a candidate for classification through an automated scoring system. Utilizing variant allele frequency, disease prevalence and penetrance estimates, and inheritance mode, an automated score was calculated to assess if this variant is too frequent to cause the disease. Based on the score and internal cut-off values, a variant classified as benign is not then subjected to further curation. The score for this variant resulted in a classification of benign for this disease.

Illumina Laboratory Services, Illumina
Classification: Benign for Aniridia 1. Last evaluated: 2018-01-13. Review status: criteria provided, single submitter. Criteria: ICSL Variant Classification Criteria 13 December 2019. Collection method: clinical testing. Allele origin: germline.
Comment: the same text as in the submission from Illumina Laboratory Services, Illumina above.

Illumina Laboratory Services, Illumina
Classification: Benign for Wilms tumor, aniridia, genitourinary anomalies, and mental retardation syndrome. Last evaluated: 2018-01-13. Review status: criteria provided, single submitter. Criteria: ICSL Variant Classification Criteria 13 December 2019. Collection method: clinical testing. Allele origin: germline.
Comment: the same text as in the submission from Illumina Laboratory Services, Illumina above.

Illumina Laboratory Services, Illumina
Classification: Benign for Foveal hypoplasia 1. Last evaluated: 2018-01-13. Review status: criteria provided, single submitter. Criteria: ICSL Variant Classification Criteria 13 December 2019. Collection method: clinical testing. Allele origin: germline.
Comment: the same text as in the submission from Illumina Laboratory Services, Illumina above.

Illumina Laboratory Services, Illumina
Classification: Benign for carboxymethyl-dextran-A2-gadolinium-DOTA. Last evaluated: 2018-01-13. Review status: criteria provided, single submitter. Criteria: ICSL Variant Classification Criteria 13 December 2019. Collection method: clinical testing. Allele origin: germline.
Comment: the same text as in the submission from Illumina Laboratory Services, Illumina above.

Illumina Laboratory Services, Illumina
Classification: Benign for Autosomal dominant keratitis. Last evaluated: 2018-01-13. Review status: criteria provided, single submitter. Criteria: ICSL Variant Classification Criteria 13 December 2019. Collection method: clinical testing. Allele origin: germline.
Comment: the same text as in the submission from Illumina Laboratory Services, Illumina above.

Breakthrough Genomics
Classification: Likely benign. Review status: criteria provided, single submitter. Criteria: ACMG Guidelines, 2015. Collection method: not provided. Allele origin: germline. Inheritance: Autosomal dominant inheritance. Affected: yes.